The following is an entry in ClinVar:

NM_000501.4(ELN):c.469+2T>C

Gene: ELN (elastin; plus strand). Cytogenetic location: 7q11.23.
Variant type: single nucleotide variant.
Coding change: c.469+2T>C on transcript NM_000501.4 (MANE Select); the canonical splice donor site of the intron after coding-DNA position 469, T replaced by C.
Molecular consequence: splice donor variant.
Genome position (GRCh38, 1-based): chr7:74,043,922, T>C. VCF-style: chr7-74043922-T-C. GRCh37 (hg19) VCF-style: chr7-73458252-T-C.
Other names: NC_000007.13:g.73458252T>C; c.484+2T>C (NM_001081754.3, NM_001081753.3); c.469+2T>C (NM_001278939.2, NM_001278915.2, NM_001278912.2 and 2 more transcripts); c.433+2T>C (NM_001278913.2); c.454+2T>C (NM_001278914.2); c.439+2T>C (NM_001278917.2, NM_001081752.3, NM_001278918.2).
Identifiers: ClinVar variation 4339340 (VCV004339340.2).

ClinVar aggregate classification (germline): Likely pathogenic (1 of 4 stars; one submission).

Conditions:
Supravalvar aortic stenosis (SVAS). Also called: Supravalvar aortic stenosis, Eisenberg type. Identifiers: Orphanet 3193, MedGen C0003499, MONDO:0008504, OMIM 185500, HP:0004381.

Submissions (2):

Labcorp Genetics (formerly Invitae), Labcorp
Classification: Likely pathogenic for Supravalvar aortic stenosis. Last evaluated: 2025-05-06. Review status: criteria provided, single submitter. Criteria: Invitae Variant Classification Sherloc (09022015). Collection method: clinical testing. Allele origin: germline.
Comment: This sequence change affects a donor splice site in intron 9 of the ELN gene. It is expected to disrupt RNA splicing. Variants that disrupt the donor or acceptor splice site typically lead to a loss of protein function (PMID: 16199547), and loss-of-function variants in ELN are known to be pathogenic (PMID: 11175284). This variant is not present in population databases (gnomAD no frequency). This variant has not been reported in the literature in individuals affected with ELN-related conditions. Algorithms developed to predict the effect of sequence changes on RNA splicing suggest that this variant may disrupt the consensus splice site. In summary, the currently available evidence indicates that the variant is pathogenic, but additional data are needed to prove that conclusively. Therefore, this variant has been classified as Likely Pathogenic.

Dr. Peter K. Rogan Lab, Western University
No classification provided (evidence only). Condition: Nonpapillary renal cell carcinoma. Review status: no classification provided. Collection method: in vitro. Allele origin: not applicable. Functional consequence: retained intron. Not counted in ClinVar's aggregate classification.

Literature cited by the submitters: PubMed 16199547 (cited by Labcorp Genetics (formerly Invitae), Labcorp); PubMed 11175284 (cited by Labcorp Genetics (formerly Invitae), Labcorp).